The following is an entry in ClinVar:

ClinVar aggregate classification (germline): Likely benign. Review status: criteria provided, multiple submitters, no conflicts (2 of 4 stars). 3 submissions from 3 submitters: Likely benign (2). 1 of the submissions does not count toward it. Last evaluated 2024-11-18.

Conditions:
Neuropathy, hereditary sensory, type 2C. Also called: KIF1A-Related HSAN2 (HSAN2C); Hereditary sensory and autonomic neuropathy type IIC. Identifiers: Orphanet 970, MedGen C3280168, MONDO:0013634, OMIM 614213.
Intellectual disability, autosomal dominant 9 (NESCAVS). Also called: NESCAV SYNDROME; KIF1A-Related Neurodevelopmental Disorder. Identifiers: Orphanet 662367, MedGen C5393830, MONDO:0013656, OMIM 614255.
Hereditary spastic paraplegia 30. Identifiers: Orphanet 101010, MedGen C5235139, MONDO:0012476.
KIF1A-related disorder. Also called: KIF1A-related disorders; KIF1A-related condition.
Inborn genetic diseases. Identifiers: MedGen C0950123, MeSH D030342.

Allele frequency attached by ClinVar (database versions not stated): TOPMed below 0.00001.
gnomAD v4.1: 14 of 1,585,770 alleles (0.00088%); highest among the groups gnomAD compares: Non-Finnish European, 0.0011%; no homozygotes.

Submissions (3):

Labcorp Genetics (formerly Invitae), Labcorp
Classification: Likely benign for Hereditary spastic paraplegia 30; Neuropathy, hereditary sensory, type 2C; Intellectual disability, autosomal dominant 9. Last evaluated: 2024-11-18. Review status: criteria provided, single submitter. Criteria: Invitae Variant Classification Sherloc (09022015). Collection method: clinical testing. Allele origin: germline.

Ambry Genetics
Classification: Likely benign for Inborn genetic diseases. Last evaluated: 2019-07-11. Review status: criteria provided, single submitter. Criteria: Ambry Variant Classification Scheme 2023. Collection method: clinical testing. Allele origin: germline.

PreventionGenetics, part of Exact Sciences
Classification: Likely benign for KIF1A-related condition. Last evaluated: 2024-06-23. Review status: no assertion criteria provided. Collection method: clinical testing. Allele origin: germline. Not counted in ClinVar's aggregate classification.
Comment: This variant is classified as likely benign based on ACMG/AMP sequence variant interpretation guidelines (Richards et al. 2015 PMID: 25741868, with internal and published modifications).

NM_001244008.2(KIF1A):c.3138G>A (p.Glu1046=)

Gene: KIF1A (kinesin family member 1A; minus strand). Cytogenetic location: 2q37.3.
Variant type: single nucleotide variant.
Coding change: c.3138G>A on transcript NM_001244008.2 (MANE Select); coding-DNA position 3138, G replaced by A.
Protein change: p.Glu1046=; no amino-acid change (glutamic acid 1046 retained).
Molecular consequence: synonymous variant.
Genome position (GRCh38, 1-based): chr2:240,746,103, C>T on the plus strand (G>A on the coding strand, the complement: KIF1A is on the minus strand). VCF-style: chr2-240746103-C-T. GRCh37 (hg19) VCF-style: chr2-241685520-C-T.
Other names: c.3138G>A (NM_001244008.1); c.2862G>A, p.Glu954= (NM_001320705.2, NM_001330289.2, NM_001379638.1); c.2937G>A, p.Glu979= (NM_001330290.2, NM_001379634.1, NM_001379635.1 and 1 more transcripts); c.3213G>A, p.Glu1071= (NM_001379631.1); c.3087G>A, p.Glu1029= (NM_001379632.1); c.3111G>A, p.Glu1037= (NM_001379633.1, NM_001379642.1, NM_001379645.1); c.2835G>A, p.Glu945= (NM_001379636.1, NM_001379639.1, NM_001379640.1 and 6 more transcripts); c.2910G>A, p.Glu970= (NM_001379637.1, NM_001379648.1).
Identifiers: ClinVar variation 532894 (VCV000532894.12), dbSNP rs1553630555, ClinGen allele CA432029715.